The following is an entry in ClinVar:

NM_000038.6(APC):c.-19+3869A>C

Gene: APC (APC regulator of WNT signaling pathway; plus strand). Cytogenetic location: 5q22.2.
Variant type: single nucleotide variant.
Coding change: c.-19+3869A>C on transcript NM_000038.6 (MANE Select); 3869 bases into the intron after 19 bases upstream of the start codon, A replaced by C.
Molecular consequence: intron variant.
Genome position (GRCh38, 1-based): chr5:112,741,794, A>C. VCF-style: chr5-112741794-A-C. GRCh37 (hg19) VCF-style: chr5-112077491-A-C.
Other names: c.-18-13079A>C (NM_001354895.2); c.166-24532A>C (NM_001354897.2, NM_001354902.2, NM_001127511.3); c.-19+3334A>C (NM_001127510.3); c.60+3334A>C (NM_001354898.2, NM_001354904.2); c.-1054+3869A>C (NM_001354906.2); c.-19+3869A>C (NM_001354896.2, NM_001354903.2, NM_001354899.2); c.-43+3869A>C (NM_001354900.2, NM_001354901.2, NM_001354905.2).
Identifiers: ClinVar variation 82341 (VCV000082341.2), dbSNP rs74463383, ClinGen allele CA006455.
Genomic context (GRCh38, chr5:112,741,794, plus strand): 5'-CTTCCCTAATTAAAACTCTGTGCACATTAAACACTAACATGCCATTTTCCCCTCCCCCCA[A>C]CCCTTGGCAACCACCACTCCACTTTTTGTCTCAAAGAATTTGACTATTCTGGGAACCTCT-3'

ClinVar aggregate classification (germline): other (0 of 4 stars; one submission).

Conditions:
Familial colorectal cancer. Identifiers: MedGen CN280943, MONDO:0023113. Disease mechanism: loss of function.

Submission:

Systems Biology Platform Zhejiang California International NanoSystems Institute
Classification: other for Familial colorectal cancer. Review status: no assertion criteria provided. Collection method: not provided. Allele origin: unknown.
ClinVar note: Converted during submission from cancer to other.